The following is an entry in ClinVar:

NM_173689.7(CRB2):c.3367G>T (p.Gly1123Cys)

Gene: CRB2 (crumbs cell polarity complex component 2; plus strand). Cytogenetic location: 9q33.3.
Variant type: single nucleotide variant.
Coding change: c.3367G>T on transcript NM_173689.7 (MANE Select); coding-DNA position 3367, G replaced by T.
Protein change: p.Gly1123Cys; replaces glycine 1123 with cysteine.
Molecular consequence: missense variant. On other transcripts: non-coding transcript variant (1).
Genome position (GRCh38, 1-based): chr9:123,373,898, G>T. VCF-style: chr9-123373898-G-T. GRCh37 (hg19) VCF-style: chr9-126136177-G-T.
Other names: short protein forms G1123C.
Identifiers: ClinVar variation 4278672 (VCV004278672.1).

ClinVar aggregate classification (germline): Uncertain significance (1 of 4 stars; one submission).

Submission:

GeneDx
Classification: Uncertain significance. Last evaluated: 2025-03-31. Review status: criteria provided, single submitter. Criteria: GeneDx Variant Classification Process June 2021. Collection method: clinical testing. Allele origin: germline. Affected: yes.
Comment: In silico analysis supports that this missense variant has a deleterious effect on protein structure/function; Has not been previously published as pathogenic or benign to our knowledge